The following is an entry in ClinVar:

ClinVar aggregate classification (germline): Uncertain significance (1 of 4 stars; one submission).

Submission:

GeneDx
Classification: Uncertain significance. Last evaluated: 2025-06-24. Review status: criteria provided, single submitter. Criteria: GeneDx Variant Classification Process June 2021. Collection method: clinical testing. Allele origin: germline. Affected: yes.
Comment: Not observed at significant frequency in large population cohorts (gnomAD); In silico analysis supports that this missense variant has a deleterious effect on protein structure/function; Has not been previously published as pathogenic or benign to our knowledge

NM_000812.4(GABRB1):c.766C>G (p.Leu256Val)

Gene: GABRB1 (gamma-aminobutyric acid type A receptor subunit beta1; plus strand). Cytogenetic location: 4p12.
Variant type: single nucleotide variant.
Coding change: c.766C>G on transcript NM_000812.4 (MANE Select); coding-DNA position 766, C replaced by G.
Protein change: p.Leu256Val; replaces leucine 256 with valine.
Molecular consequence: missense variant.
Genome position (GRCh38, 1-based): chr4:47,403,642, C>G. VCF-style: chr4-47403642-C-G. GRCh37 (hg19) VCF-style: chr4-47405659-C-G.
Other names: short protein forms L256V.
Identifiers: ClinVar variation 4540155 (VCV004540155.1).